The following is an entry in ClinVar:

NM_004714.3(DYRK1B):c.282C>T (p.Asp94=)

Gene: DYRK1B (dual specificity tyrosine phosphorylation regulated kinase 1B; minus strand). Cytogenetic location: 19q13.2.
Variant type: single nucleotide variant.
Coding change: c.282C>T on transcript NM_004714.3 (MANE Select); coding-DNA position 282, C replaced by T.
Protein change: p.Asp94=; no amino-acid change (aspartic acid 94 retained).
Molecular consequence: synonymous variant.
Genome position (GRCh38, 1-based): chr19:39,830,465, G>A on the plus strand (C>T on the coding strand, the complement: DYRK1B is on the minus strand). VCF-style: chr19-39830465-G-A. GRCh37 (hg19) VCF-style: chr19-40321105-G-A.
Other names: c.282C>T, p.Asp94= (NM_006483.3, NM_006484.3).
Identifiers: ClinVar variation 3352476 (VCV003352476.1).

ClinVar aggregate classification (germline): Likely benign (0 of 4 stars; one submission).

Conditions:
DYRK1B-related disorder. Also called: DYRK1B-related condition.

gnomAD v4.1: 78 of 1,614,082 alleles (0.0048%); highest among the groups gnomAD compares: African/African-American, 0.035%; no homozygotes.

Submission:

PreventionGenetics, part of Exact Sciences
Classification: Likely benign for DYRK1B-related condition. Last evaluated: 2021-10-06. Review status: no assertion criteria provided. Collection method: clinical testing. Allele origin: germline.
Comment: This variant is classified as likely benign based on ACMG/AMP sequence variant interpretation guidelines (Richards et al. 2015 PMID: 25741868, with internal and published modifications).